The following is an entry in ClinVar:

ClinVar aggregate classification (germline): Uncertain significance. Review status: criteria provided, multiple submitters, no conflicts (2 of 4 stars). 3 submissions from 3 submitters: Uncertain significance (3). Last evaluated 2025-08-15.

Conditions:
Inborn genetic diseases. Identifiers: MedGen C0950123, MeSH D030342.

Allele frequency attached by ClinVar (database versions not stated): gnomAD 0.00001; ESP Exome Variant Server 0.00008; TOPMed 0.00009.
gnomAD v4.1: 64 of 1,613,824 alleles (0.004%); highest among the groups gnomAD compares: Middle Eastern, 0.033%; no homozygotes.

Submissions (3):

Labcorp Genetics (formerly Invitae), Labcorp
Classification: Uncertain significance. Last evaluated: 2025-08-15. Review status: criteria provided, single submitter. Criteria: Invitae Variant Classification Sherloc (09022015). Collection method: clinical testing. Allele origin: germline.
Comment: This sequence change replaces glycine, which is neutral and non-polar, with alanine, which is neutral and non-polar, at codon 14 of the NDUFA13 protein (p.Gly14Ala). This variant is present in population databases (rs140066197, gnomAD 0.01%). This variant has not been reported in the literature in individuals affected with NDUFA13-related conditions. ClinVar contains an entry for this variant (Variation ID: 2143521). An algorithm developed to predict the effect of missense changes on protein structure and function (PolyPhen-2) suggests that this variant is likely to be disruptive. In summary, the available evidence is currently insufficient to determine the role of this variant in disease. Therefore, it has been classified as a Variant of Uncertain Significance.

Ambry Genetics
Classification: Uncertain significance for Inborn genetic diseases. Last evaluated: 2025-04-13. Review status: criteria provided, single submitter. Criteria: Ambry Variant Classification Scheme 2023. Collection method: clinical testing. Allele origin: germline.

CeGaT Center for Human Genetics Tuebingen
Classification: Uncertain significance. Last evaluated: 2024-08-01. Review status: criteria provided, single submitter. Criteria: CeGaT Center For Human Genetics Tuebingen Variant Classification Criteria Version 2. Collection method: clinical testing. Allele origin: germline. Affected: yes. Observed: 1 variant allele.
Comment: NDUFA13: PM2, PP3

NM_015965.7(NDUFA13):c.41G>C (p.Gly14Ala)

Genes: NDUFA13 (NADH:ubiquinone oxidoreductase subunit A13; plus strand), LOC130064074 (ATAC-STARR-seq lymphoblastoid active region 14360; plus strand). Cytogenetic location: 19p13.11.
Variant type: single nucleotide variant.
Coding change: c.41G>C on transcript NM_015965.7 (MANE Select); coding-DNA position 41, G replaced by C.
Protein change: p.Gly14Ala; replaces glycine 14 with alanine.
Molecular consequence: missense variant.
Genome position (GRCh38, 1-based): chr19:19,516,279, G>C. VCF-style: chr19-19516279-G-C. GRCh37 (hg19) VCF-style: chr19-19627088-G-C.
Other names: c.41G>C (NM_015965.6); short protein forms G14A.
Identifiers: ClinVar variation 2143521 (VCV002143521.20), dbSNP rs140066197, ClinGen allele CA9327618.